The following is an entry in ClinVar:

NM_000836.4(GRIN2D):c.2137G>A (p.Val713Met)

Gene: GRIN2D (glutamate ionotropic receptor NMDA type subunit 2D; plus strand). Cytogenetic location: 19q13.33.
Variant type: single nucleotide variant.
Coding change: c.2137G>A on transcript NM_000836.4 (MANE Select); coding-DNA position 2137, G replaced by A.
Protein change: p.Val713Met; replaces valine 713 with methionine.
Molecular consequence: missense variant.
Genome position (GRCh38, 1-based): chr19:48,421,830, G>A. VCF-style: chr19-48421830-G-A. GRCh37 (hg19) VCF-style: chr19-48925087-G-A.
Other names: short protein forms V713M.
Identifiers: ClinVar variation 3696437 (VCV003696437.2).

ClinVar aggregate classification (germline): Uncertain significance (1 of 4 stars; one submission).

gnomAD v4.1: 2 of 1,614,012 alleles (0.00012%); highest among the groups gnomAD compares: South Asian, 0.0022%; no homozygotes.

Submission:

Labcorp Genetics (formerly Invitae), Labcorp
Classification: Uncertain significance. Last evaluated: 2024-06-15. Review status: criteria provided, single submitter. Criteria: Invitae Variant Classification Sherloc (09022015). Collection method: clinical testing. Allele origin: germline.
Comment: This sequence change replaces valine, which is neutral and non-polar, with methionine, which is neutral and non-polar, at codon 713 of the GRIN2D protein (p.Val713Met). This variant is not present in population databases (gnomAD no frequency). This variant has not been reported in the literature in individuals affected with GRIN2D-related conditions. Advanced modeling of protein sequence and biophysical properties (such as structural, functional, and spatial information, amino acid conservation, physicochemical variation, residue mobility, and thermodynamic stability) performed at Invitae indicates that this missense variant is expected to disrupt GRIN2D protein function with a positive predictive value of 80%. In summary, the available evidence is currently insufficient to determine the role of this variant in disease. Therefore, it has been classified as a Variant of Uncertain Significance.